The following is an entry in ClinVar:

ClinVar aggregate classification (germline): Uncertain significance (1 of 4 stars; one submission).

Allele frequency attached by ClinVar (database versions not stated): ExAC 0.00001; gnomAD 0.00002; TOPMed 0.00002; gnomAD exomes 0.00005.
gnomAD v4.1: 80 of 1,614,048 alleles (0.005%); highest among the groups gnomAD compares: Non-Finnish European, 0.0064%; no homozygotes.

Submission:

Ambry Genetics
Classification: Uncertain significance. Last evaluated: 2023-09-22. Review status: criteria provided, single submitter. Criteria: Ambry Variant Classification Scheme 2023. Collection method: clinical testing. Allele origin: germline.
Comment: The p.Q2027R variant (also known as c.6080A>G), located in coding exon 19 of the POLQ gene, results from an A to G substitution at nucleotide position 6080. The glutamine at codon 2027 is replaced by arginine, an amino acid with highly similar properties. This amino acid position is conserved. In addition, this alteration is predicted to be tolerated by in silico analysis. Since supporting evidence is limited at this time, the clinical significance of this alteration remains unclear.

NM_199420.4(POLQ):c.6080A>G (p.Gln2027Arg)

Gene: POLQ (DNA polymerase theta; minus strand). Cytogenetic location: 3q13.33.
Variant type: single nucleotide variant.
Coding change: c.6080A>G on transcript NM_199420.4 (MANE Select); coding-DNA position 6080, A replaced by G.
Protein change: p.Gln2027Arg; replaces glutamine 2027 with arginine.
Molecular consequence: missense variant.
Genome position (GRCh38, 1-based): chr3:121,481,703, T>C on the plus strand (A>G on the coding strand, the complement: POLQ is on the minus strand). VCF-style: chr3-121481703-T-C. GRCh37 (hg19) VCF-style: chr3-121200550-T-C.
Other names: short protein forms Q2027R.
Identifiers: ClinVar variation 1751448 (VCV001751448.2), dbSNP rs751391098, ClinGen allele CA2562574.